The following is an entry in ClinVar:

NM_001365276.2(TNXB):c.8399A>G (p.Tyr2800Cys)

Gene: TNXB (tenascin XB; minus strand). Cytogenetic location: 6p21.33.
Variant type: single nucleotide variant.
Coding change: c.8399A>G on transcript NM_001365276.2 (MANE Select); coding-DNA position 8399, A replaced by G.
Protein change: p.Tyr2800Cys; replaces tyrosine 2800 with cysteine.
Molecular consequence: missense variant.
Genome position (GRCh38, 1-based): chr6:32,055,919, T>C on the plus strand (A>G on the coding strand, the complement: TNXB is on the minus strand). VCF-style: chr6-32055919-T-C. GRCh37 (hg19) VCF-style: chr6-32023696-T-C.
Other names: c.9140A>G, p.Tyr3047Cys (NM_001428335.1); c.8399A>G, p.Tyr2800Cys (NM_019105.8); short protein forms Y2800C, Y3047C.
Identifiers: ClinVar variation 3972015 (VCV003972015.3).

ClinVar aggregate classification (germline): Uncertain significance. Review status: criteria provided, multiple submitters, no conflicts (2 of 4 stars). 2 submissions from 2 submitters: Uncertain significance (2). Last evaluated 2026-02-18.

Conditions:
Cardiovascular phenotype. Identifiers: MedGen CN230736.

gnomAD v4.1: 1 of 1,613,494 alleles (0.000062%); highest among the groups gnomAD compares: Non-Finnish European, 0.000085%; no homozygotes.

Submissions (2):

Dasa
Classification: Uncertain significance. Last evaluated: 2026-02-18. Review status: criteria provided, single submitter. Criteria: DASA Assertion Criteria. Collection method: clinical testing. Allele origin: germline.
Comment: NM_001365276.2(TNXB):c.8399A>G (p.Tyr2800Cys) is a missense variant that results in the substitution of tyrosine with cysteine. This variant is rare in population databases. Computational prediction algorithms are consistent with a deleterious effect. The currently available literature and clinical evidence are not sufficient to establish a definitive association between this variant and the reported condition. Therefore, this variant is classified as a variant of uncertain significance.

Ambry Genetics
Classification: Uncertain significance for Cardiovascular phenotype. Last evaluated: 2025-05-03. Review status: criteria provided, single submitter. Criteria: Ambry Variant Classification Scheme 2023. Collection method: clinical testing. Allele origin: germline.
Comment: The p.Y2800C variant (also known as c.8399A>G), located in coding exon 23 of the TNXB gene, results from an A to G substitution at nucleotide position 8399. The tyrosine at codon 2800 is replaced by cysteine, an amino acid with highly dissimilar properties. This amino acid position is conserved. In addition, this alteration is predicted to be deleterious by in silico analysis. Based on the available evidence, the clinical significance of this variant remains unclear.